The following is an entry in ClinVar:

ClinVar aggregate classification (germline): Conflicting classifications of pathogenicity. Review status: criteria provided, conflicting classifications (1 of 4 stars). 3 submissions from 3 submitters: Likely pathogenic (1); Uncertain significance (2). Last evaluated 2026-02-06.

Conditions:
Autosomal recessive titinopathy. Identifiers: MedGen CN315649, MONDO:0100493.
TTN-related myopathy. Identifiers: MedGen CN294812, MONDO:0100175.

gnomAD v4.1: 9 of 1,613,384 alleles (0.00056%); highest among the groups gnomAD compares: Non-Finnish European, 0.00076%; no homozygotes.

Submissions (3):

Myofin, Folkhalsan Research Center
Classification: Likely pathogenic for Autosomal recessive titinopathy. Last evaluated: 2026-02-06. Review status: criteria provided, single submitter. Criteria: ACMG Guidelines, 2015. Collection method: research. Allele origin: germline. Affected: yes.
Comment: This variant (p.(Gln7023Pro)) was identified in 6 unrelated families with a congenital titinopathy phenotype and is present in trans with different pathogenic/likely pathogenic TTN truncating variants in each family. ACMG/AMP criteria applied: PM3_Moderate (multiple probands with the variant in trans with a pathogenic TTNtv; scored per ClinGen recommendations for large genes), PS3_Moderate (variant-specific functional assays show impaired folding/solubility and aggregation of the affected titin Ig domain), PP1_Strong (segregation in multiple informative meioses across families consistent with autosomal recessive inheritance), PP3_Supporting (deleterious computational prediction; AlphaMissense 0.8300), PM2_Supporting (rare in population databases, gnomAD 0.000005578, with no homozygotes reported), and PP4_Supporting (phenotype/muscle biopsy consistent with recessive titinopathy). BP1 was not applied because pathogenic TTN missense variants are established in specific TTN regions. Overall classification: Likely pathogenic for recessive titinopathy.

Blueprint Genetics
Classification: Uncertain significance. Last evaluated: 2024-08-22. Review status: criteria provided, single submitter. Criteria: ACMG Guidelines, 2015. Collection method: clinical testing. Allele origin: germline.

Victorian Clinical Genetics Services, Murdoch Childrens Research Institute
Classification: Uncertain significance for TTN-related myopathy. Last evaluated: 2023-07-17. Review status: criteria provided, single submitter. Criteria: ACMG Guidelines, 2015. Collection method: clinical testing. Allele origin: germline. Inheritance: Autosomal recessive inheritance.
Comment: Based on the classification scheme VCGS_Germline_v1.3.4, this variant is classified as VUS-3B. Following criteria are met: 0102 - Loss of function is known mechanism of disease in this gene. In addition, dominant-negative is also a suggested mechanism. (PMID: 25589632). (I) 0108 - This gene is associated with both recessive and dominant disease (OMIM). (I) 0112 - A condition associated with this gene has incomplete penetrance. Variants in this gene that result in a premature truncating codon (PTC) are known to have reduced penetrance in DCM (PMID: 25589632). (I) 0200 - Variant is predicted to result in a missense amino acid change from glutamine to proline. (I) 0219 - This variant is non-coding in an alternative cardiac predominant transcript. However, it is coding in the ClinVar predominant transcript. (I) 0251 - This variant is heterozygous. (I) 0304 - Variant is present in gnomAD v2 <0.01 for a recessive condition (2 heterozygotes, 0 homozygotes). (SP) 0502 - Missense variant with conflicting in silico predictions and uninformative conservation. (I) 0600 - Variant is located in the annotated I-Band domain, and the exon has a PSI score of 25 (PMID: 25589632). (I) 0705 - No comparable missense variants have previous evidence for pathogenicity. (I) 0809 - Previous evidence of pathogenicity for this variant is inconclusive. Two previous reports of this variant, one in an individual with a cardiomyopathy, have classified it as a VUS (LOVD, PMID: 25214167). (I) 0905 - No published segregation evidence has been identified for this variant. (I) 1007 - No published functional evidence has been identified for this variant. (I) 1208 - Inheritance information for this variant is not currently available in this individual. (I) Legend: (SP) - Supporting pathogenic, (I) - Information, (SB) - Supporting benign

Literature cited by the submitters: DOI 10.1101/2025.07.17.25331112 (cited by Myofin, Folkhalsan Research Center); PubMed 25214167 (cited by Victorian Clinical Genetics Services, Murdoch Childrens Research Institute); PubMed 25589632 (cited by Victorian Clinical Genetics Services, Murdoch Childrens Research Institute).

NM_001267550.2(TTN):c.21068A>C (p.Gln7023Pro)

Genes: TTN (titin; minus strand), LOC126806428 (BRD4-independent group 4 enhancer GRCh37_chr2:179588362-179589561; plus strand). Cytogenetic location: 2q31.2.
Variant type: single nucleotide variant.
Coding change: c.21068A>C on transcript NM_001267550.2 (MANE Select); coding-DNA position 21068, A replaced by C.
Protein change: p.Gln7023Pro; replaces glutamine 7023 with proline.
Molecular consequence: missense variant. On other transcripts: intron variant (3).
Genome position (GRCh38, 1-based): chr2:178,724,307, T>G on the plus strand (A>C on the coding strand, the complement: TTN is on the minus strand). VCF-style: chr2-178724307-T-G. GRCh37 (hg19) VCF-style: chr2-179589034-T-G.
Other names: c.20117A>C, p.Gln6706Pro (NM_001256850.1); c.17336A>C, p.Gln5779Pro (NM_133378.4); c.13282+13775A>C (NM_003319.4); c.13858+13775A>C (NM_133437.4); c.13657+13775A>C (NM_133432.3); short protein forms Q5779P, Q6706P, Q7023P.
Identifiers: ClinVar variation 3376807 (VCV003376807.3).